The following is an entry in ClinVar:

NM_032830.3(UTP4):c.1287+6T>C

Gene: UTP4 (UTP4 small subunit processome component). Cytogenetic location: 16q22.1.
Variant type: single nucleotide variant.
Coding change: c.1287+6T>C on transcript NM_032830.3 (MANE Select); 6 bases into the intron after coding-DNA position 1287, T replaced by C.
Molecular consequence: intron variant.
Genome position (GRCh38, 1-based): chr16:69,155,999, T>C. VCF-style: chr16-69155999-T-C. GRCh37 (hg19) VCF-style: chr16-69189902-T-C.
Other names: c.1038+6T>C (NM_001318391.2).
Identifiers: ClinVar variation 885212 (VCV000885212.9), dbSNP rs201299923, ClinGen allele CA8132366.

ClinVar aggregate classification (germline): Uncertain significance. Review status: criteria provided, multiple submitters, no conflicts (2 of 4 stars). 3 submissions from 3 submitters: Uncertain significance (2). 1 of the submissions does not count toward it. Last evaluated 2025-07-30.

Conditions:
Hereditary North American Indian childhood cirrhosis. Identifiers: Orphanet 168583, MedGen C1858051, MONDO:0011497, OMIM 604901.
UTP4-related disorder. Also called: UTP4-related condition.

Allele frequency attached by ClinVar (database versions not stated): ESP Exome Variant Server 0.00023; gnomAD 0.00025; 1000 Genomes Project 30x 0.00031; TOPMed 0.00039; 1000 Genomes Project 0.00040; ExAC 0.00040; gnomAD exomes 0.00043.
gnomAD v4.1: 626 of 1,614,140 alleles (0.039%); highest among the groups gnomAD compares: Admixed American, 0.13%; no homozygotes.

Submissions (3):

Labcorp Genetics (formerly Invitae), Labcorp
Classification: Uncertain significance. Last evaluated: 2025-07-30. Review status: criteria provided, single submitter. Criteria: Invitae Variant Classification Sherloc (09022015). Collection method: clinical testing. Allele origin: germline.
Comment: This sequence change falls in intron 11 of the UTP4 gene. It does not directly change the encoded amino acid sequence of the UTP4 protein. It affects a nucleotide within the consensus splice site. This variant is present in population databases (rs201299923, gnomAD 0.1%), and has an allele count higher than expected for a pathogenic variant. This variant has not been reported in the literature in individuals affected with UTP4-related conditions. ClinVar contains an entry for this variant (Variation ID: 885212). Variants that disrupt the consensus splice site are a relatively common cause of aberrant splicing (PMID: 17576681, 9536098). Algorithms developed to predict the effect of sequence changes on RNA splicing suggest that this variant may disrupt the consensus splice site. In summary, the available evidence is currently insufficient to determine the role of this variant in disease. Therefore, it has been classified as a Variant of Uncertain Significance.

Illumina Laboratory Services, Illumina
Classification: Uncertain significance for Hereditary North American Indian childhood cirrhosis. Last evaluated: 2018-01-13. Review status: criteria provided, single submitter. Criteria: ICSL Variant Classification Criteria 13 December 2019. Collection method: clinical testing. Allele origin: germline.

PreventionGenetics, part of Exact Sciences
Classification: Likely benign for UTP4-related condition. Last evaluated: 2023-06-12. Review status: no assertion criteria provided. Collection method: clinical testing. Allele origin: germline. Not counted in ClinVar's aggregate classification.
Comment: This variant is classified as likely benign based on ACMG/AMP sequence variant interpretation guidelines (Richards et al. 2015 PMID: 25741868, with internal and published modifications).

Literature cited by the submitters: PubMed 17576681 (cited by Labcorp Genetics (formerly Invitae), Labcorp); PubMed 9536098 (cited by Labcorp Genetics (formerly Invitae), Labcorp).